The following is an entry in ClinVar:

ClinVar aggregate classification (germline): Pathogenic/Likely pathogenic. Review status: criteria provided, multiple submitters, no conflicts (2 of 4 stars). 2 submissions from 2 submitters: Pathogenic (1); Likely pathogenic (1). Last evaluated 2024-06-05.

Conditions:
Microcephaly, normal intelligence and immunodeficiency (NBS). Also called: Nijmegen breakage syndrome; Microcephaly with normal intelligence immunodeficiency and lymphoreticular malignancies; Nonsyndromal microcephaly autosomal recessive with normal intelligence; Seemanova syndrome 2; Immunodeficiency, microcephaly with normal intelligence; Ataxia telangiectasia variant V1. Identifiers: Orphanet 647, MedGen C0398791, MONDO:0009623, OMIM 251260.

Submissions (2):

Palindrome, Gene Kavoshgaran Aria
Classification: Pathogenic for Microcephaly, normal intelligence and immunodeficiency. Last evaluated: 2024-06-05. Review status: criteria provided, single submitter. Criteria: ACMG Guidelines, 2015. Collection method: clinical testing. Allele origin: germline. Inheritance: Autosomal recessive inheritance. Affected: yes. Observed: 1 homozygote.

GeneDx
Classification: Likely pathogenic. Last evaluated: 2018-11-15. Review status: criteria provided, single submitter. Criteria: GeneDx Variant Classification (06012015). Collection method: clinical testing. Allele origin: germline. Affected: yes.
Comment: This deletion of one nucleotide in NBN is denoted c.956delC at the cDNA level and p.Thr319LysfsX15 (T319KfsX15) at the protein level. The normal sequence, with the base that is deleted in brackets, is ACTA[delC]AAAG. The deletion causes a frameshift which changes a Threonine to a Lysine at codon 319, and creates a premature stop codon at position 15 of the new reading frame. Although this variant has not, to our knowledge, been reported in the literature as a germline variant, it is predicted to cause loss of normal protein function through either protein truncation or nonsense-mediated mRNA decay. Based on currently available evidence, we consider this deletion to be a likely pathogenic variant.

NM_002485.5(NBN):c.956del (p.Thr319fs)

Gene: NBN (nibrin; minus strand). Cytogenetic location: 8q21.3.
Variant type: Deletion.
Coding change: c.956del on transcript NM_002485.5 (MANE Select); coding-DNA position 956, one base deleted (C; older notation c.956delC).
Protein change: p.Thr319fs; shifts the reading frame from threonine 319.
Molecular consequence: frameshift variant.
Genome position (GRCh38, 1-based): chr8:89,964,448, G deleted on the plus strand (C on the coding strand, the reverse complement: NBN is on the minus strand). VCF-style (leftmost placement, unchanged base first): chr8-89964447-TG-T. GRCh37 (hg19) VCF-style: chr8-90976675-TG-T.
Other names: c.710del, p.Thr237fs (NM_001024688.3); short protein forms T237fs, T319fs.
Identifiers: ClinVar variation 817340 (VCV000817340.2), dbSNP rs1586075954, ClinGen allele CA915945783.